The following is an entry in ClinVar:

NM_001042492.3(NF1):c.3431_3432dup (p.Thr1145fs)

Gene: NF1 (neurofibromin 1; plus strand). Cytogenetic location: 17q11.2.
Variant type: Duplication.
Coding change: c.3431_3432dup on transcript NM_001042492.3 (MANE Select); coding-DNA positions 3431 to 3432, 2 bases duplicated (GT; older notation c.3431_3432dupGT).
Protein change: p.Thr1145fs; shifts the reading frame from threonine 1145.
Molecular consequence: frameshift variant.
Genome position (GRCh38, 1-based): chr17:31,232,816-31,232,817, GT duplicated; duplicating any 2 consecutive bases within chr17:31,232,815-31,232,817 gives the same sequence; the c. name uses the placement nearest the transcript's 3' end. VCF-style (leftmost placement, unchanged base first): chr17-31232814-C-CTG. GRCh37 (hg19) VCF-style: chr17-29559832-C-CTG.
Other names: c.3431_3432dupGT (NM_000267.3); c.3431_3432dup, p.Thr1145Valfs (NM_000267.4); short protein forms T1145fs.
Identifiers: ClinVar variation 527598 (VCV000527598.5), dbSNP rs1555614966, ClinGen allele CA658798775.

ClinVar aggregate classification (germline): Pathogenic (1 of 4 stars; one submission).

Conditions:
Neurofibromatosis, type 1 (NF1). Also called: VON RECKLINGHAUSEN DISEASE; NEUROFIBROMATOSIS, TYPE I, SOMATIC; Peripheral type neurofibromatosis; Neurofibromatosis, type I. Identifiers: Orphanet 636, MedGen C0027831, MONDO:0018975, OMIM 162200. Disease mechanism: loss of function.

Submission:

Labcorp Genetics (formerly Invitae), Labcorp
Classification: Pathogenic for Neurofibromatosis, type 1. Last evaluated: 2025-09-27. Review status: criteria provided, single submitter. Criteria: Invitae Variant Classification Sherloc (09022015). Collection method: clinical testing. Allele origin: germline.
Comment: This sequence change creates a premature translational stop signal (p.Thr1145Valfs*14) in the NF1 gene. It is expected to result in an absent or disrupted protein product. Loss-of-function variants in NF1 are known to be pathogenic (PMID: 10712197, 23913538). This variant is not present in population databases (gnomAD no frequency). This premature translational stop signal has been observed in individual(s) with neurofibromatosis type 1 (PMID: 34233200). ClinVar contains an entry for this variant (Variation ID: 527598). Algorithms developed to predict the effect of sequence changes on RNA splicing suggest that this variant may disrupt the consensus splice site. For these reasons, this variant has been classified as Pathogenic.

Literature cited by the submitters: PubMed 10712197; PubMed 23913538; PubMed 34233200.